The following is an entry in ClinVar:

ClinVar aggregate classification (germline): Uncertain significance (1 of 4 stars; one submission).

Conditions:
Hereditary cancer-predisposing syndrome. Also called: Tumor predisposition; Hereditary Cancer Syndrome; Hereditary neoplastic syndrome; Neoplastic Syndromes, Hereditary. Identifiers: Orphanet 140162, MedGen C0027672, MeSH D009386, MONDO:0015356.

gnomAD v4.1: 1 of 1,614,060 alleles (0.000062%); highest among the groups gnomAD compares: Admixed American, 0.0017%; no homozygotes.

Submission:

Ambry Genetics
Classification: Uncertain significance for Hereditary cancer-predisposing syndrome. Last evaluated: 2023-08-02. Review status: criteria provided, single submitter. Criteria: Ambry Variant Classification Scheme 2023. Collection method: clinical testing. Allele origin: germline.
Comment: The p.T935S variant (also known as c.2803A>T), located in coding exon 17 of the ATM gene, results from an A to T substitution at nucleotide position 2803. The threonine at codon 935 is replaced by serine, an amino acid with similar properties. This amino acid position is conserved. In addition, this alteration is predicted to be tolerated by in silico analysis. Since supporting evidence is limited at this time, the clinical significance of this alteration remains unclear.

NM_000051.4(ATM):c.2803A>T (p.Thr935Ser)

Gene: ATM (ATM serine/threonine kinase; plus strand). Cytogenetic location: 11q22.3.
Variant type: single nucleotide variant.
Coding change: c.2803A>T on transcript NM_000051.4 (MANE Select); coding-DNA position 2803, A replaced by T.
Protein change: p.Thr935Ser; replaces threonine 935 with serine.
Molecular consequence: missense variant.
Genome position (GRCh38, 1-based): chr11:108,268,574, A>T. VCF-style: chr11-108268574-A-T. GRCh37 (hg19) VCF-style: chr11-108139301-A-T.
Other names: c.2803A>T, p.Thr935Ser (NM_001351834.2); short protein forms T935S.
Identifiers: ClinVar variation 2587797 (VCV002587797.2), dbSNP rs35813135, ClinGen allele CA382545677.